The following is an entry in ClinVar:

ClinVar aggregate classification (germline): Uncertain significance. Review status: criteria provided, multiple submitters, no conflicts (2 of 4 stars). 2 submissions from 2 submitters: Uncertain significance (2). Last evaluated 2024-03-08.

Conditions:
Inborn genetic diseases. Identifiers: MedGen C0950123, MeSH D030342.

Allele frequency attached by ClinVar (database versions not stated): gnomAD exomes below 0.00001; gnomAD 0.00002; TOPMed 0.00001; ExAC 0.00001.
gnomAD v4.1: 10 of 1,614,088 alleles (0.00062%); highest among the groups gnomAD compares: African/African-American, 0.0013%; no homozygotes.

Submissions (2):

Ambry Genetics
Classification: Uncertain significance for Inborn genetic diseases. Last evaluated: 2024-03-08. Review status: criteria provided, single submitter. Criteria: Ambry Variant Classification Scheme 2023. Collection method: clinical testing. Allele origin: germline.

Labcorp Genetics (formerly Invitae), Labcorp
Classification: Uncertain significance. Last evaluated: 2021-03-26. Review status: criteria provided, single submitter. Criteria: Invitae Variant Classification Sherloc (09022015). Collection method: clinical testing. Allele origin: germline.
Comment: In summary, the available evidence is currently insufficient to determine the role of this variant in disease. Therefore, it has been classified as a Variant of Uncertain Significance. Advanced modeling of protein sequence and biophysical properties (such as structural, functional, and spatial information, amino acid conservation, physicochemical variation, residue mobility, and thermodynamic stability) performed at Invitae indicates that this missense variant is not expected to disrupt GRM6 protein function. This variant has not been reported in the literature in individuals with GRM6-related conditions. This variant is present in population databases (rs769111389, ExAC 0.002%). This sequence change replaces alanine with threonine at codon 482 of the GRM6 protein (p.Ala482Thr). The alanine residue is moderately conserved and there is a small physicochemical difference between alanine and threonine.

NM_000843.4(GRM6):c.1444G>A (p.Ala482Thr)

Genes: GRM6 (glutamate metabotropic receptor 6; minus strand), ZNF454 (zinc finger protein 454; plus strand). Cytogenetic location: 5q35.3.
Variant type: single nucleotide variant.
Coding change: c.1444G>A on transcript NM_000843.4 (MANE Select); coding-DNA position 1444, G replaced by A.
Protein change: p.Ala482Thr; replaces alanine 482 with threonine.
Molecular consequence: missense variant.
Genome position (GRCh38, 1-based): chr5:178,986,894, C>T on the plus strand (G>A on the coding strand, the complement: GRM6 is on the minus strand). VCF-style: chr5-178986894-C-T. GRCh37 (hg19) VCF-style: chr5-178413895-C-T.
Other names: c.1444G>A (NM_000843.3); short protein forms A482T.
Identifiers: ClinVar variation 1473281 (VCV001473281.7), dbSNP rs769111389, ClinGen allele CA3594047.